The following is an entry in ClinVar:

NM_000302.4(PLOD1):c.2153G>C (p.Arg718Pro)

Gene: PLOD1 (procollagen-lysine,2-oxoglutarate 5-dioxygenase 1; plus strand). Cytogenetic location: 1p36.22.
Variant type: single nucleotide variant.
Coding change: c.2153G>C on transcript NM_000302.4 (MANE Select); coding-DNA position 2153, G replaced by C.
Protein change: p.Arg718Pro; replaces arginine 718 with proline.
Molecular consequence: missense variant.
Genome position (GRCh38, 1-based): chr1:11,974,777, G>C. VCF-style: chr1-11974777-G-C. GRCh37 (hg19) VCF-style: chr1-12034834-G-C.
Other names: c.2294G>C, p.Arg765Pro (NM_001316320.2); short protein forms R718P, R765P.
Identifiers: ClinVar variation 3392951 (VCV003392951.1).

ClinVar aggregate classification (germline): Uncertain significance (1 of 4 stars; one submission).

gnomAD v4.1: 1 of 1,614,072 alleles (0.000062%); highest among the groups gnomAD compares: South Asian, 0.0011%; no homozygotes.

Submission:

GeneDx
Classification: Uncertain significance. Last evaluated: 2024-06-27. Review status: criteria provided, single submitter. Criteria: GeneDx Variant Classification Process June 2021. Collection method: clinical testing. Allele origin: germline. Affected: yes.
Comment: Has not been previously published as pathogenic or benign to our knowledge; Not observed at significant frequency in large population cohorts (gnomAD); In silico analysis supports that this missense variant has a deleterious effect on protein structure/function